The following is an entry in ClinVar:

ClinVar aggregate classification (germline): Uncertain significance (1 of 4 stars; one submission).

Conditions:
Inborn genetic diseases. Identifiers: MedGen C0950123, MeSH D030342.

gnomAD v4.1: 3 of 1,614,070 alleles (0.00019%); highest among the groups gnomAD compares: South Asian, 0.0033%; no homozygotes.

Submission:

Ambry Genetics
Classification: Uncertain significance for Inborn genetic diseases. Last evaluated: 2025-07-07. Review status: criteria provided, single submitter. Criteria: Ambry Variant Classification Scheme 2023. Collection method: clinical testing. Allele origin: germline.
Comment: The p.E1095G variant (also known as c.3284A>G), located in coding exon 24 of the ANKRD26 gene, results from an A to G substitution at nucleotide position 3284. The glutamic acid at codon 1095 is replaced by glycine, an amino acid with similar properties. This amino acid position is conserved. In addition, this alteration is predicted to be tolerated by in silico analysis. Based on the available evidence, the clinical significance of this variant remains unclear.

NM_014915.3(ANKRD26):c.3284A>G (p.Glu1095Gly)

Gene: ANKRD26 (ankyrin repeat domain containing 26; minus strand). Cytogenetic location: 10p12.1.
Variant type: single nucleotide variant.
Coding change: c.3284A>G on transcript NM_014915.3 (MANE Select); coding-DNA position 3284, A replaced by G.
Protein change: p.Glu1095Gly; replaces glutamic acid 1095 with glycine.
Molecular consequence: missense variant.
Genome position (GRCh38, 1-based): chr10:27,035,166, T>C on the plus strand (A>G on the coding strand, the complement: ANKRD26 is on the minus strand). VCF-style: chr10-27035166-T-C. GRCh37 (hg19) VCF-style: chr10-27324095-T-C.
Other names: c.3281A>G, p.Glu1094Gly (NM_001256053.2); short protein forms E1095G, E1094G.
Identifiers: ClinVar variation 4103348 (VCV004103348.1).